The following is an entry in ClinVar:

ClinVar aggregate classification (germline): Uncertain significance (1 of 4 stars; one submission).

gnomAD v4.1: 1 of 1,614,012 alleles (0.000062%); highest among the groups gnomAD compares: Non-Finnish European, 0.000085%; no homozygotes.

Submission:

CeGaT Center for Human Genetics Tuebingen
Classification: Uncertain significance. Last evaluated: 2026-09-01. Review status: criteria provided, single submitter. Criteria: CeGaT Center For Human Genetics Tuebingen Variant Classification Criteria Version 2. Collection method: clinical testing. Allele origin: germline. Affected: yes. Observed: 1 variant allele.
Comment: KMT2C: PM2, PP3

NM_170606.3(KMT2C):c.9605T>C (p.Ile3202Thr)

Gene: KMT2C (lysine methyltransferase 2C; minus strand). Cytogenetic location: 7q36.1.
Variant type: single nucleotide variant.
Coding change: c.9605T>C on transcript NM_170606.3 (MANE Select); coding-DNA position 9605, T replaced by C.
Protein change: p.Ile3202Thr; replaces isoleucine 3202 with threonine.
Molecular consequence: missense variant.
Genome position (GRCh38, 1-based): chr7:152,167,291, A>G on the plus strand (T>C on the coding strand, the complement: KMT2C is on the minus strand). VCF-style: chr7-152167291-A-G. GRCh37 (hg19) VCF-style: chr7-151864376-A-G.
Other names: short protein forms I3202T.
Identifiers: ClinVar variation 5041824 (VCV005041824.1).